The following is an entry in ClinVar:

NM_007194.4(CHEK2):c.433C>G (p.Arg145Gly)

Gene: CHEK2 (checkpoint kinase 2; minus strand). Cytogenetic location: 22q12.1.
Variant type: single nucleotide variant.
Coding change: c.433C>G on transcript NM_007194.4 (MANE Select); coding-DNA position 433, C replaced by G.
Protein change: p.Arg145Gly; replaces arginine 145 with glycine.
Molecular consequence: missense variant.
Genome position (GRCh38, 1-based): chr22:28,725,254, G>C on the plus strand (C>G on the coding strand, the complement: CHEK2 is on the minus strand). VCF-style: chr22-28725254-G-C. GRCh37 (hg19) VCF-style: chr22-29121242-G-C.
Other names: c.562C>G, p.Arg188Gly (NM_001005735.3); c.-345C>G (NM_001257387.3); c.433C>G, p.Arg145Gly (NM_001349956.3, NM_145862.3); short protein forms R145G, R188G.
Identifiers: ClinVar variation 824805 (VCV000824805.4), dbSNP rs137853007, ClinGen allele CA411107896.

ClinVar aggregate classification (germline): Uncertain significance (1 of 4 stars; one submission).

Conditions:
Hereditary cancer-predisposing syndrome. Also called: Neoplastic Syndromes, Hereditary; Tumor predisposition; Hereditary neoplastic syndrome; Hereditary Cancer Syndrome. Identifiers: Orphanet 140162, MedGen C0027672, MeSH D009386, MONDO:0015356.

gnomAD v4.1: 1 of 1,614,038 alleles (0.000062%); highest among the groups gnomAD compares: South Asian, 0.0011%; no homozygotes.

Submission:

Ambry Genetics
Classification: Uncertain significance for Hereditary cancer-predisposing syndrome. Last evaluated: 2018-08-28. Review status: criteria provided, single submitter. Criteria: Ambry Variant Classification Scheme 2023. Collection method: clinical testing. Allele origin: germline.
Comment: The p.R145G variant (also known as c.433C>G), located in coding exon 2 of the CHEK2 gene, results from a C to G substitution at nucleotide position 433. The arginine at codon 145 is replaced by glycine, an amino acid with dissimilar properties. This amino acid position is highly conserved in available vertebrate species. In addition, this alteration is predicted to be deleterious by in silico analysis. Since supporting evidence is limited at this time, the clinical significance of this alteration remains unclear.